The following is an entry in ClinVar:

ClinVar aggregate classification (germline): Uncertain significance. Review status: criteria provided, multiple submitters, no conflicts (2 of 4 stars). 2 submissions from 2 submitters: Uncertain significance (2). Last evaluated 2020-10-30.

Conditions:
Hereditary cancer-predisposing syndrome. Also called: Hereditary Cancer Syndrome; Neoplastic Syndromes, Hereditary; Tumor predisposition; Hereditary neoplastic syndrome. Identifiers: Orphanet 140162, MedGen C0027672, MeSH D009386, MONDO:0015356.
Gorlin syndrome. Also called: Basal cell nevus syndrome; Nevoid Basal Cell Carcinoma Syndrome. Identifiers: Orphanet 377, MedGen C0004779, MONDO:0007187.

Submissions (2):

Labcorp Genetics (formerly Invitae), Labcorp
Classification: Uncertain significance for Gorlin syndrome. Last evaluated: 2020-10-30. Review status: criteria provided, single submitter. Criteria: Invitae Variant Classification Sherloc (09022015). Collection method: clinical testing. Allele origin: germline.
Comment: Advanced modeling of protein sequence and biophysical properties (such as structural, functional, and spatial information, amino acid conservation, physicochemical variation, residue mobility, and thermodynamic stability) performed at Invitae indicates that this missense variant is not expected to disrupt PTCH1 protein function. This sequence change replaces glycine with alanine at codon 759 of the PTCH1 protein (p.Gly759Ala). The glycine residue is weakly conserved and there is a small physicochemical difference between glycine and alanine. This variant is not present in population databases (ExAC no frequency). This variant has not been reported in the literature in individuals with PTCH1-related conditions. In summary, the available evidence is currently insufficient to determine the role of this variant in disease. Therefore, it has been classified as a Variant of Uncertain Significance.

Ambry Genetics
Classification: Uncertain significance for Hereditary cancer-predisposing syndrome. Last evaluated: 2020-07-17. Review status: criteria provided, single submitter. Criteria: Ambry Variant Classification Scheme 2023. Collection method: clinical testing. Allele origin: germline.
Comment: The p.G759A variant (also known as c.2276G>C), located in coding exon 15 of the PTCH1 gene, results from a G to C substitution at nucleotide position 2276. The glycine at codon 759 is replaced by alanine, an amino acid with similar properties. This amino acid position is well conserved in available vertebrate species. In addition, this alteration is predicted to be tolerated by in silico analysis. Since supporting evidence is limited at this time, the clinical significance of this alteration remains unclear.

NM_000264.5(PTCH1):c.2276G>C (p.Gly759Ala)

Genes: PTCH1 (patched 1; minus strand), LOC100507346 (uncharacterized LOC100507346; plus strand). Cytogenetic location: 9q22.32.
Variant type: single nucleotide variant.
Coding change: c.2276G>C on transcript NM_000264.5 (MANE Select); coding-DNA position 2276, G replaced by C.
Protein change: p.Gly759Ala; replaces glycine 759 with alanine.
Molecular consequence: missense variant. On other transcripts: non-coding transcript variant (1).
Genome position (GRCh38, 1-based): chr9:95,467,400, C>G on the plus strand (G>C on the coding strand, the complement: PTCH1 is on the minus strand). VCF-style: chr9-95467400-C-G. GRCh37 (hg19) VCF-style: chr9-98229682-C-G.
Other names: c.2078G>C, p.Gly693Ala (NM_001083602.3); c.2273G>C, p.Gly758Ala (NM_001083603.3); c.1823G>C, p.Gly608Ala (NM_001083604.3, NM_001083605.3, NM_001083606.3 and 1 more transcripts); c.2120G>C, p.Gly707Ala (NM_001354918.2); short protein forms G693A, G759A, G608A, G707A, G758A.
Identifiers: ClinVar variation 1347842 (VCV001347842.10), dbSNP rs2117974684, ClinGen allele CA374114718.
Genomic context (GRCh38, chr9:95,467,400, plus strand): 5'-TCCGTAAGGTCCAGCCCGTCTCTCACTCGGGTGGTGCCATAAAGGCTGACCCCCAGCAAG[C>G]CCAGAAAAAGGAAGATCACCACTACCTGGAACAGAAGAGGCACAAGGTCAGACCCCAGGG-3'
Protein context (NP_000255.2, residues 749-769): AKVVVIFLFL[Gly759Ala]LLGVSLYGTT